The following is an entry in ClinVar:

NM_001292063.2(OTOG):c.2233G>A (p.Ala745Thr)

Gene: OTOG (otogelin; plus strand). Cytogenetic location: 11p15.1.
Variant type: single nucleotide variant.
Coding change: c.2233G>A on transcript NM_001292063.2 (MANE Select); coding-DNA position 2233, G replaced by A.
Protein change: p.Ala745Thr; replaces alanine 745 with threonine.
Molecular consequence: missense variant.
Genome position (GRCh38, 1-based): chr11:17,573,230, G>A. VCF-style: chr11-17573230-G-A. GRCh37 (hg19) VCF-style: chr11-17594777-G-A.
Other names: c.2269G>A, p.Ala757Thr (NM_001277269.2); short protein forms A745T, A757T.
Identifiers: ClinVar variation 1174414 (VCV001174414.4), dbSNP rs1351372831, ClinGen allele CA379770411.

ClinVar aggregate classification (germline): Uncertain significance (1 of 4 stars; one submission).

Allele frequency attached by ClinVar (database versions not stated): gnomAD exomes 0.00002 and 0.00003; gnomAD 0.00004; TOPMed 0.00004.

Submission:

GeneDx
Classification: Uncertain significance. Last evaluated: 2025-04-29. Review status: criteria provided, single submitter. Criteria: GeneDx Variant Classification Process June 2021. Collection method: clinical testing. Allele origin: germline. Affected: yes.
Comment: In silico analysis supports that this missense variant has a deleterious effect on protein structure/function; Has not been previously published as pathogenic or benign to our knowledge